The following is an entry in ClinVar:

NM_001145252.3(CFP):c.313G>A (p.Val105Met)

Gene: CFP (complement factor properdin; minus strand). Cytogenetic location: Xp11.23.
Variant type: single nucleotide variant.
Coding change: c.313G>A on transcript NM_001145252.3 (MANE Select); coding-DNA position 313, G replaced by A.
Protein change: p.Val105Met; replaces valine 105 with methionine.
Molecular consequence: missense variant.
Genome position (GRCh38, 1-based): chrX:47,628,192, C>T on the plus strand (G>A on the coding strand, the complement: CFP is on the minus strand). VCF-style: chrX-47628192-C-T. GRCh37 (hg19) VCF-style: chrX-47487591-C-T.
Other names: c.313G>A, p.Val105Met (NM_002621.2); short protein forms V105M.
Identifiers: ClinVar variation 1513675 (VCV001513675.6), dbSNP rs2147937433, ClinGen allele CA412839099.

ClinVar aggregate classification (germline): Uncertain significance (1 of 4 stars; one submission).

Submission:

Labcorp Genetics (formerly Invitae), Labcorp
Classification: Uncertain significance. Last evaluated: 2023-08-10. Review status: criteria provided, single submitter. Criteria: Invitae Variant Classification Sherloc (09022015). Collection method: clinical testing. Allele origin: germline.
Comment: Advanced modeling of protein sequence and biophysical properties (such as structural, functional, and spatial information, amino acid conservation, physicochemical variation, residue mobility, and thermodynamic stability) performed at Invitae indicates that this missense variant is not expected to disrupt CFP protein function. ClinVar contains an entry for this variant (Variation ID: 1513675). This variant has not been reported in the literature in individuals affected with CFP-related conditions. This variant is not present in population databases (gnomAD no frequency). This sequence change replaces valine, which is neutral and non-polar, with methionine, which is neutral and non-polar, at codon 105 of the CFP protein (p.Val105Met). In summary, the available evidence is currently insufficient to determine the role of this variant in disease. Therefore, it has been classified as a Variant of Uncertain Significance.